The following is an entry in ClinVar:

ClinVar aggregate classification (germline): Uncertain significance (1 of 4 stars; one submission).

Conditions:
Charcot-Marie-Tooth disease dominant intermediate E. Also called: CHARCOT-MARIE-TOOTH NEUROPATHY WITH FOCAL SEGMENTAL GLOMERULONEPHRITIS. Identifiers: Orphanet 93114, MedGen C4302667, MONDO:0013758, OMIM 614455.
Focal segmental glomerulosclerosis 5 (FSGS5). Identifiers: Orphanet 656, MedGen C2750475, MONDO:0013191, OMIM 613237.

Submission:

Labcorp Genetics (formerly Invitae), Labcorp
Classification: Uncertain significance for Charcot-Marie-Tooth disease dominant intermediate E; Focal segmental glomerulosclerosis 5. Last evaluated: 2022-06-20. Review status: criteria provided, single submitter. Criteria: Invitae Variant Classification Sherloc (09022015). Collection method: clinical testing. Allele origin: germline.
Comment: In summary, the available evidence is currently insufficient to determine the role of this variant in disease. Therefore, it has been classified as a Variant of Uncertain Significance. Experimental studies and prediction algorithms are not available or were not evaluated, and the functional significance of this variant is currently unknown. ClinVar contains an entry for this variant (Variation ID: 848707). This variant has not been reported in the literature in individuals affected with INF2-related conditions. This variant is not present in population databases (gnomAD no frequency). This variant, c.188_208del, results in the deletion of 7 amino acid(s) of the INF2 protein (p.Gly63_Leu69del), but otherwise preserves the integrity of the reading frame.

NM_022489.4(INF2):c.188_208del (p.Gly63_Leu69del)

Gene: INF2 (inverted formin 2; plus strand). Cytogenetic location: 14q32.33.
Variant type: Deletion.
Coding change: c.188_208del on transcript NM_022489.4 (MANE Select); coding-DNA positions 188 to 208, 21 bases deleted (GCTGGATGGTGCAGTTCCTGG).
Protein change: p.Gly63_Leu69del.
Molecular consequence: inframe deletion.
Genome position (GRCh38, 1-based): chr14:104,701,553-104,701,573, GCTGGATGGTGCAGTTCCTGG deleted; deleting any 21 consecutive bases within chr14:104,701,552-104,701,573 gives the same sequence; the c. name uses the placement nearest the transcript's 3' end. VCF-style (leftmost placement, unchanged base first): chr14-104701551-CGGCTGGATGGTGCAGTTCCTG-C. GRCh37 (hg19) VCF-style: chr14-105167888-CGGCTGGATGGTGCAGTTCCTG-C.
Other names: c.188_208del, p.Gly63_Leu69del (NM_001031714.4, NM_032714.3).
Identifiers: ClinVar variation 848707 (VCV000848707.11), dbSNP rs1889495846, ClinGen allele CA916083401.